The following is an entry in ClinVar:

ClinVar aggregate classification (germline): Pathogenic. Review status: criteria provided, multiple submitters, no conflicts (2 of 4 stars). 2 submissions from 2 submitters: Pathogenic (2). Last evaluated 2025-02-18.

Conditions:
Familial cancer of breast. Also called: BREAST CANCER, FAMILIAL; Hereditary breast cancer; hereditary breast carcinoma. Identifiers: Orphanet 227535, MedGen C0346153, MONDO:0016419, OMIM 114480. Disease mechanism: loss of function.
Fanconi anemia complementation group J. Also called: BRIP1-Related Fanconi Anemia. Identifiers: Orphanet 84, MedGen C1836860, MONDO:0012187, OMIM 609054.

Submissions (2):

Myriad Genetics, Inc.
Classification: Pathogenic for Familial cancer of breast. Last evaluated: 2025-02-18. Review status: criteria provided, single submitter. Criteria: Myriad Autosomal Dominant, Autosomal Recessive and X-Linked Classification Criteria (2023). Collection method: clinical testing. Allele origin: unknown.
Comment: This variant is considered pathogenic. This variant creates a frameshift predicted to result in premature protein truncation.

Labcorp Genetics (formerly Invitae), Labcorp
Classification: Pathogenic for Familial cancer of breast; Fanconi anemia complementation group J. Last evaluated: 2022-04-15. Review status: criteria provided, single submitter. Criteria: Invitae Variant Classification Sherloc (09022015). Collection method: clinical testing. Allele origin: germline.
Comment: For these reasons, this variant has been classified as Pathogenic. This variant has not been reported in the literature in individuals affected with BRIP1-related conditions. This variant is not present in population databases (gnomAD no frequency). This sequence change creates a premature translational stop signal (p.Asp898Thrfs*14) in the BRIP1 gene. It is expected to result in an absent or disrupted protein product. Loss-of-function variants in BRIP1 are known to be pathogenic (PMID: 16116423, 17033622, 21964575).

Literature cited by the submitters: PubMed 16116423 (cited by Labcorp Genetics (formerly Invitae), Labcorp); PubMed 17033622 (cited by Labcorp Genetics (formerly Invitae), Labcorp); PubMed 21964575 (cited by Labcorp Genetics (formerly Invitae), Labcorp).

NM_032043.3(BRIP1):c.2692del (p.Asp898fs)

Gene: BRIP1 (BRCA1 interacting DNA helicase 1; minus strand). Cytogenetic location: 17q23.2.
Variant type: Deletion.
Coding change: c.2692del on transcript NM_032043.3 (MANE Select); coding-DNA position 2692, one base deleted (G; older notation c.2692delG).
Protein change: p.Asp898fs; shifts the reading frame from aspartic acid 898.
Molecular consequence: frameshift variant.
Genome position (GRCh38, 1-based): chr17:61,686,049, C deleted on the plus strand (G on the coding strand, the reverse complement: BRIP1 is on the minus strand); the first of 2 consecutive C bases (chr17:61,686,049-61,686,050); deleting either gives the same sequence. VCF-style (leftmost placement, unchanged base first): chr17-61686048-TC-T. GRCh37 (hg19) VCF-style: chr17-59763409-TC-T.
Other names: short protein forms D898fs.
Identifiers: ClinVar variation 2126160 (VCV002126160.5), dbSNP rs2544573042, ClinGen allele CA2580094459.